The following is an entry in ClinVar:

NM_001377540.1(SLMAP):c.346+6G>T

Gene: SLMAP (sarcolemma associated protein; plus strand). Cytogenetic location: 3p14.3.
Variant type: single nucleotide variant.
Coding change: c.346+6G>T on transcript NM_001377540.1 (MANE Select); 6 bases into the intron after coding-DNA position 346, G replaced by T.
Molecular consequence: intron variant. On other transcripts: non-coding transcript variant (1).
Genome position (GRCh38, 1-based): chr3:57,831,536, G>T. VCF-style: chr3-57831536-G-T. GRCh37 (hg19) VCF-style: chr3-57817263-G-T.
Other names: c.346+6G>T (NM_001377538.1, NM_001377539.1, NM_001377555.1 and 17 more transcripts).
Identifiers: ClinVar variation 1350391 (VCV001350391.6), dbSNP rs371736233, ClinGen allele CA75404222.
Genomic context (GRCh38, chr3:57,831,536, plus strand): 5'-CTTTCCGGTGACATTATCCAGTTTGGAGTAGACGTGACAGAGAATACACGGAAAGGTACG[G>T]GTATGGATCACTTTTTTTATTACTTGTCTTTTAAAGGTTATTTAATTTTTTATTATCTTA-3'

ClinVar aggregate classification (germline): Uncertain significance (1 of 4 stars; one submission).

Conditions:
Brugada syndrome. Also called: Sudden Unexplained Death Syndrome; Sudden Unexplained Nocturnal Death Syndrome (SUNDS); Sudden unexplained nocturnal death syndrome; Sudden unexpected nocturnal death syndrome. Identifiers: Orphanet 130, MedGen C1142166, MONDO:0015263.

Allele frequency attached by ClinVar (database versions not stated): gnomAD exomes below 0.00001; TOPMed 0.00008; gnomAD 0.00009 and 0.00010; ESP Exome Variant Server 0.00015.
gnomAD v4.1: 15 of 1,480,684 alleles (0.001%); highest among the groups gnomAD compares: African/African-American, 0.02%; no homozygotes.

Submission:

Labcorp Genetics (formerly Invitae), Labcorp
Classification: Uncertain significance for Brugada syndrome. Last evaluated: 2025-10-23. Review status: criteria provided, single submitter. Criteria: Invitae Variant Classification Sherloc (09022015). Collection method: clinical testing. Allele origin: germline.
Comment: This sequence change falls in intron 2 of the SLMAP gene. It does not directly change the encoded amino acid sequence of the SLMAP protein. It affects a nucleotide within the consensus splice site. This variant is present in population databases (rs371736233, gnomAD 0.02%), and has an allele count higher than expected for a pathogenic variant. This variant has not been reported in the literature in individuals affected with SLMAP-related conditions. ClinVar contains an entry for this variant (Variation ID: 1350391). Variants that disrupt the consensus splice site are a relatively common cause of aberrant splicing (PMID: 17576681, 9536098). Algorithms developed to predict the effect of sequence changes on RNA splicing suggest that this variant is not likely to affect RNA splicing. In summary, the available evidence is currently insufficient to determine the role of this variant in disease. Therefore, it has been classified as a Variant of Uncertain Significance.

Literature cited by the submitters: PubMed 17576681; PubMed 9536098.